The following is an entry in ClinVar:

NM_152564.5(VPS13B):c.5978T>C (p.Ile1993Thr)

Gene: VPS13B (vacuolar protein sorting 13 homolog B; plus strand). Cytogenetic location: 8q22.2.
Variant type: single nucleotide variant.
Coding change: c.5978T>C on transcript NM_152564.5 (MANE Select); coding-DNA position 5978, T replaced by C.
Protein change: p.Ile1993Thr; replaces isoleucine 1993 with threonine.
Molecular consequence: missense variant.
Genome position (GRCh38, 1-based): chr8:99,661,423, T>C. VCF-style: chr8-99661423-T-C. GRCh37 (hg19) VCF-style: chr8-100673651-T-C.
Other names: c.6053T>C, p.Ile2018Thr (NM_017890.5); short protein forms I2018T, I1993T.
Identifiers: ClinVar variation 2544658 (VCV002544658.3), dbSNP rs1426789840, ClinGen allele CA371868932.

ClinVar aggregate classification (germline): Uncertain significance. Review status: criteria provided, single submitter (1 of 4 stars). 2 submissions from 2 submitters: Uncertain significance (1). 1 of the submissions does not count toward it. Last evaluated 2023-05-05.

Conditions:
VPS13B-related disorder. Also called: VPS13B-related condition.
Inborn genetic diseases. Identifiers: MedGen C0950123, MeSH D030342.

Allele frequency attached by ClinVar (database versions not stated): gnomAD exomes below 0.00001; TOPMed 0.00001.
gnomAD v4.1: 4 of 1,613,694 alleles (0.00025%); highest among the groups gnomAD compares: Non-Finnish European, 0.00034%; no homozygotes.

Submissions (2):

Ambry Genetics
Classification: Uncertain significance for Inborn genetic diseases. Last evaluated: 2023-05-05. Review status: criteria provided, single submitter. Criteria: Ambry Variant Classification Scheme 2023. Collection method: clinical testing. Allele origin: germline.

PreventionGenetics, part of Exact Sciences
Classification: Uncertain significance for VPS13B-related condition. Last evaluated: 2024-01-29. Review status: no assertion criteria provided. Collection method: clinical testing. Allele origin: germline. Not counted in ClinVar's aggregate classification.
Comment: The VPS13B c.5978T>C variant is predicted to result in the amino acid substitution p.Ile1993Thr. To our knowledge, this variant has not been reported in the literature. This variant is reported in 0.00088% of alleles in individuals of European (Non-Finnish) descent in gnomAD. At this time, the clinical significance of this variant is uncertain due to the absence of conclusive functional and genetic evidence.